The following is an entry in ClinVar:

ClinVar aggregate classification (germline): Conflicting classifications of pathogenicity. Review status: criteria provided, conflicting classifications (1 of 4 stars). 3 submissions from 3 submitters: Uncertain significance (1); Likely benign (1). 1 of the submissions does not count toward it. Last evaluated 2025-12-22.

Conditions:
GRIN2D-related disorder. Also called: GRIN2D-related condition.
Developmental and epileptic encephalopathy, 46 (DEE46). Also called: GRIN2D-Related Developmental and Epileptic Encephalopathy; Epileptic encephalopathy, early infantile, 46. Identifiers: MedGen C4310687, MONDO:0014947, OMIM 617162.

Allele frequency attached by ClinVar (database versions not stated): gnomAD 0.00004; ExAC 0.00007.
gnomAD v4.1: 52 of 1,531,300 alleles (0.0034%); highest among the groups gnomAD compares: South Asian, 0.06%; 1 homozygote.

Submissions (3):

Labcorp Genetics (formerly Invitae), Labcorp
Classification: Likely benign. Last evaluated: 2025-12-22. Review status: criteria provided, single submitter. Criteria: Invitae Variant Classification Sherloc (09022015). Collection method: clinical testing. Allele origin: germline.

Neuberg Centre For Genomic Medicine, NCGM
Classification: Uncertain significance for Developmental and epileptic encephalopathy, 46. Review status: criteria provided, single submitter. Criteria: ACMG Guidelines, 2015. Collection method: clinical testing. Allele origin: germline. Affected: yes.
Comment: The missense variant p.D1114N in GRIN2D (NM_000836.4) has not been reported previously as a pathogenic variant nor as a benign variant, to our knowledge. There is a small physicochemical difference between aspartic acid and asparagine, which is not likely to impact secondary protein structure as these residues share similar properties. The p.D1114N missense variant is predicted to be damaging by PolyPhen2. For these reasons, this variant has been classified as Uncertain Significance.

PreventionGenetics, part of Exact Sciences
Classification: Likely benign for GRIN2D-related condition. Last evaluated: 2023-10-13. Review status: no assertion criteria provided. Collection method: clinical testing. Allele origin: germline. Not counted in ClinVar's aggregate classification.
Comment: This variant is classified as likely benign based on ACMG/AMP sequence variant interpretation guidelines (Richards et al. 2015 PMID: 25741868, with internal and published modifications).

NM_000836.4(GRIN2D):c.3340G>A (p.Asp1114Asn)

Gene: GRIN2D (glutamate ionotropic receptor NMDA type subunit 2D; plus strand). Cytogenetic location: 19q13.33.
Variant type: single nucleotide variant.
Coding change: c.3340G>A on transcript NM_000836.4 (MANE Select); coding-DNA position 3340, G replaced by A.
Protein change: p.Asp1114Asn; replaces aspartic acid 1114 with asparagine.
Molecular consequence: missense variant.
Genome position (GRCh38, 1-based): chr19:48,443,266, G>A. VCF-style: chr19-48443266-G-A. GRCh37 (hg19) VCF-style: chr19-48946523-G-A.
Other names: short protein forms D1114N.
Identifiers: ClinVar variation 1878541 (VCV001878541.8), dbSNP rs746578868, ClinGen allele CA9550834.
Genomic context (GRCh38, chr19:48,443,266, plus strand): 5'-CCCCCGTGCCGCGCCGCGCCGCCCCCGTGCCCTTACCTCGATCTCGAGCCGTCGCCGTCG[G>A]ACTCGGAGGACTCGGAGAGCCTGGGCGGCGCGTCGCTGGGCGGCCTGGAGCCCTGGTGGT-3'
Protein context (NP_000827.2, residues 1104-1124): PYLDLEPSPS[Asp1114Asn]SEDSESLGGA